The following is an entry in ClinVar:

Single allele

Genes: AMY1A (amylase alpha 1A; plus strand), AMY2A (amylase alpha 2A; plus strand). Cytogenetic location: 1p21.1.
Variant type: Deletion.
Identifiers: ClinVar variation 156748 (VCV000156748.2).

ClinVar aggregate classification (germline): not provided. Review status: no classification provided (0 of 4 stars). 2 submissions from 1 submitter: not provided (2).

Conditions:
Normal pregnancy. Identifiers: MedGen C0232989.
Large for gestational age. Identifiers: MedGen C1848395, HP:0001520.

Submissions (2):

Institute of Molecular and Cell Biology, University of Tartu
No classification provided. Condition: Normal pregnancy. Review status: no classification provided. Collection method: case-control. Allele origin: unknown. Affected: yes. Study: Kasak2014.
Comment: The study aimed to determine the contribution of copy number variants in the genetic etiology of normal and complicated pregnancies. The samples represented (i) maternal blood DNA drawn from healthy pregnant women during 1st or 2nd trimester and (ii) maternal and paternal blood DNA drawn at term pregnancy cases representing normal and complicated gestations (severe preeclampsia, PE; gestational diabetes, GD; small-for-gestational age newborn, SGA; large-for-gestational age newborn, LGA). We performed CNV calling based on genome-wide genotyping dataset (Illumina HumanOmniExpress-24-v1 BeadChip) by applying three algorithms, QuantiSNP, GADA (Genome Alteration Detection Algorithm) and CNstream in parallel. The acquired CNV calls were merged with HD-CNV (Hotspot Detector for Copy Number Variants) program and only the CNVs predicted by at least two programs, were considered in subsequent analysis.

Institute of Molecular and Cell Biology, University of Tartu
No classification provided. Condition: Large for gestational age. Review status: no classification provided. Collection method: case-control. Allele origin: unknown. Affected: yes. Study: Kasak2014.
Comment: the same text as in the submission from Institute of Molecular and Cell Biology, University of Tartu above.

Literature cited by the submitters: PubMed 25666259.